The following is an entry in ClinVar:

ClinVar aggregate classification (germline): Uncertain significance (1 of 4 stars; one submission).

gnomAD v4.1: 17 of 1,526,316 alleles (0.0011%); highest among the groups gnomAD compares: African/African-American, 0.018%; no homozygotes.

Submission:

Women's Health and Genetics/Laboratory Corporation of America, LabCorp
Classification: Uncertain significance. Last evaluated: 2024-10-16. Review status: criteria provided, single submitter. Criteria: LabCorp Variant Classification Summary - May 2015. Collection method: clinical testing. Allele origin: germline.
Comment: Variant summary: GLI2 c.3016G>C (p.Gly1006Arg) results in a non-conservative amino acid change in the encoded protein sequence. Four of five in-silico tools predict a benign effect of the variant on protein function. The variant allele was found at a frequency of 7.5e-06 in 134104 control chromosomes. The available data on variant occurrences in the general population are insufficient to allow any conclusion about variant significance. To our knowledge, no occurrence of c.3016G>C in individuals affected with GLI2-Related Disorders and no experimental evidence demonstrating its impact on protein function have been reported. No submitters have cited clinical-significance assessments for this variant to ClinVar. Based on the evidence outlined above, the variant was classified as uncertain significance.

NM_001374353.1(GLI2):c.2965G>C (p.Gly989Arg)

Gene: GLI2 (GLI family zinc finger 2; plus strand). Cytogenetic location: 2q14.2.
Variant type: single nucleotide variant.
Coding change: c.2965G>C on transcript NM_001374353.1 (MANE Select); coding-DNA position 2965, G replaced by C.
Protein change: p.Gly989Arg; replaces glycine 989 with arginine.
Molecular consequence: missense variant.
Genome position (GRCh38, 1-based): chr2:120,988,930, G>C. VCF-style: chr2-120988930-G-C. GRCh37 (hg19) VCF-style: chr2-121746506-G-C.
Other names: c.3016G>C, p.Gly1006Arg (NM_001371271.1, NM_005270.5); c.2590G>C, p.Gly864Arg (NM_001374354.1); short protein forms G1006R, G864R, G989R.
Identifiers: ClinVar variation 3385286 (VCV003385286.1).